The following is an entry in ClinVar:

NM_000384.3(APOB):c.11590A>G (p.Ile3864Val)

Gene: APOB (apolipoprotein B; minus strand). Cytogenetic location: 2p24.1.
Variant type: single nucleotide variant.
Coding change: c.11590A>G on transcript NM_000384.3 (MANE Select); coding-DNA position 11590, A replaced by G.
Protein change: p.Ile3864Val; replaces isoleucine 3864 with valine.
Molecular consequence: missense variant.
Genome position (GRCh38, 1-based): chr2:21,005,278, T>C on the plus strand (A>G on the coding strand, the complement: APOB is on the minus strand). VCF-style: chr2-21005278-T-C. GRCh37 (hg19) VCF-style: chr2-21228150-T-C.
Other names: short protein forms I3864V.
Identifiers: ClinVar variation 2948620 (VCV002948620.4), dbSNP rs2465356406, ClinGen allele CA345977978.

ClinVar aggregate classification (germline): Uncertain significance. Review status: criteria provided, multiple submitters, no conflicts (2 of 4 stars). 2 submissions from 2 submitters: Uncertain significance (2). Last evaluated 2023-06-06.

Conditions:
Hypercholesterolemia, autosomal dominant, type B (FHCL2). Also called: Familial Hypercholesterolemia Type B; APOLIPOPROTEIN B-100, FAMILIAL DEFECTIVE; APOLIPOPROTEIN B-100, FAMILIAL LIGAND-DEFECTIVE; HYPERCHOLESTEROLEMIA, FAMILIAL, DUE TO LIGAND-DEFECTIVE APOLIPOPROTEIN B; Hyperlipoproteinemia Type IIb; Familial hypercholesterolemia 2. Identifiers: MedGen C1704417, MONDO:0007751, OMIM 144010.
Familial hypobetalipoproteinemia 1. Also called: APOB-Related Familial Hypobetalipoproteinemia; Hypobetalipoproteinemia, normotriglyceridemic; Acanthocytosis with hypobetalipoproteinemia. Identifiers: MedGen C4551990, MONDO:0014252, OMIM 615558.

Allele frequency attached by ClinVar (database versions not stated): gnomAD exomes below 0.00001.
gnomAD v4.1: 1 of 1,610,928 alleles (0.000062%); highest among the groups gnomAD compares: Non-Finnish European, 0.000085%; no homozygotes.

Submissions (2):

Labcorp Genetics (formerly Invitae), Labcorp
Classification: Uncertain significance for Familial hypobetalipoproteinemia 1; Hypercholesterolemia, autosomal dominant, type B. Last evaluated: 2023-06-06. Review status: criteria provided, single submitter. Criteria: Invitae Variant Classification Sherloc (09022015). Collection method: clinical testing. Allele origin: germline.
Comment: In summary, the available evidence is currently insufficient to determine the role of this variant in disease. Therefore, it has been classified as a Variant of Uncertain Significance. Advanced modeling of protein sequence and biophysical properties (such as structural, functional, and spatial information, amino acid conservation, physicochemical variation, residue mobility, and thermodynamic stability) performed at Invitae indicates that this missense variant is not expected to disrupt APOB protein function. This variant has not been reported in the literature in individuals affected with APOB-related conditions. This variant is not present in population databases (gnomAD no frequency). This sequence change replaces isoleucine, which is neutral and non-polar, with valine, which is neutral and non-polar, at codon 3864 of the APOB protein (p.Ile3864Val).

Department of Pathology and Laboratory Medicine, Sinai Health System
Classification: Uncertain significance for hypercholesterolemia, autosomal dominant, type B. Last evaluated: 2021-07-30. Review status: criteria provided, single submitter. Criteria: ACMG Guidelines, 2015. Collection method: research. Allele origin: germline.